The following is an entry in ClinVar:

ClinVar aggregate classification (germline): Uncertain significance (1 of 4 stars; one submission).

Submission:

Labcorp Genetics (formerly Invitae), Labcorp
Classification: Uncertain significance. Last evaluated: 2023-08-11. Review status: criteria provided, single submitter. Criteria: Invitae Variant Classification Sherloc (09022015). Collection method: clinical testing. Allele origin: germline.
Comment: In summary, the available evidence is currently insufficient to determine the role of this variant in disease. Therefore, it has been classified as a Variant of Uncertain Significance. Advanced modeling of protein sequence and biophysical properties (such as structural, functional, and spatial information, amino acid conservation, physicochemical variation, residue mobility, and thermodynamic stability) performed at Invitae indicates that this missense variant is not expected to disrupt DSG1 protein function. This variant has not been reported in the literature in individuals affected with DSG1-related conditions. This variant is not present in population databases (gnomAD no frequency). This sequence change replaces lysine, which is basic and polar, with glutamic acid, which is acidic and polar, at codon 537 of the DSG1 protein (p.Lys537Glu).

NM_001942.4(DSG1):c.1609A>G (p.Lys537Glu)

Gene: DSG1 (desmoglein 1; plus strand). Cytogenetic location: 18q12.1.
Variant type: single nucleotide variant.
Coding change: c.1609A>G on transcript NM_001942.4 (MANE Select); coding-DNA position 1609, A replaced by G.
Protein change: p.Lys537Glu; replaces lysine 537 with glutamic acid.
Molecular consequence: missense variant.
Genome position (GRCh38, 1-based): chr18:31,339,947, A>G. VCF-style: chr18-31339947-A-G. GRCh37 (hg19) VCF-style: chr18-28919910-A-G.
Other names: short protein forms K537E.
Identifiers: ClinVar variation 2787937 (VCV002787937.3), dbSNP rs2144102572, ClinGen allele CA402138316.
Genomic context (GRCh38, chr18:31,339,947, plus strand): 5'-ACCAGCACAACTTCTACTGACTCTAGCCAAGTATATTCTTCTGAACCCGGAAACGGAGCC[A>G]AAGATTTGTTATCAGACAATGTACATTTTGGTCCTGCTGGCATTGGACTCCTCATCATGG-3'
Protein context (NP_001933.2, residues 527-547): VYSSEPGNGA[Lys537Glu]DLLSDNVHFG